The following is an entry in ClinVar:

NM_005051.3(QARS1):c.1389-11_1389-10del

Gene: QARS1 (glutaminyl-tRNA synthetase 1; minus strand). Cytogenetic location: 3p21.31.
Variant type: Microsatellite.
Coding change: c.1389-11_1389-10del on transcript NM_005051.3 (MANE Select); 11 bases into the intron before coding-DNA position 1389 through 10 bases into the intron before coding-DNA position 1389, 2 bases deleted (TC; older notation c.1389-11_1389-10delTC).
Molecular consequence: intron variant.
Genome position (GRCh38, 1-based): chr3:49,099,657-49,099,658, GA deleted on the plus strand (TC on the coding strand, the reverse complement: QARS1 is on the minus strand); deleting any 2 consecutive bases within chr3:49,099,657-49,099,661 gives the same sequence; the c. name uses the placement nearest the transcript's 3' end. VCF-style (leftmost placement, unchanged base first): chr3-49099656-GGA-G. GRCh37 (hg19) VCF-style: chr3-49137089-GGA-G.
Other names: c.1356-11_1356-10del (NM_001272073.2).
Identifiers: ClinVar variation 2630154 (VCV002630154.1), dbSNP rs1559967336, ClinGen allele CA916888936.

ClinVar aggregate classification (germline): Uncertain significance (1 of 4 stars; one submission).

Conditions:
QARS1-related disorder. Also called: QARS1-related condition.

Submission:

PreventionGenetics, part of Exact Sciences
Classification: Uncertain significance for QARS1-related condition. Last evaluated: 2023-02-17. Review status: criteria provided, single submitter. Criteria: ACMG Guidelines, 2015. Collection method: clinical testing. Allele origin: germline.
Comment: The QARS1 c.1389-11_1389-10delTC variant is predicted to result in an intronic deletion. This intronic variant is predicted to decrease the strength of the nearby canonical splice acceptor site (Alamut Visual Plus v1.6.1); however, the use of computer prediction programs is not equivalent to functional evidence. To our knowledge, this variant has not been reported in the literature. This variant is reported in 0.0062% of alleles in individuals of African descent in gnomAD. At this time, the clinical significance of this variant is uncertain due to the absence of conclusive functional and genetic evidence.